The following is an entry in ClinVar:

ClinVar aggregate classification (germline): Uncertain significance (1 of 4 stars; one submission).

Submission:

Labcorp Genetics (formerly Invitae), Labcorp
Classification: Uncertain significance. Last evaluated: 2024-04-22. Review status: criteria provided, single submitter. Criteria: Invitae Variant Classification Sherloc (09022015). Collection method: clinical testing. Allele origin: germline.
Comment: This sequence change replaces tryptophan, which is neutral and slightly polar, with cysteine, which is neutral and slightly polar, at codon 671 of the POLE protein (p.Trp671Cys). This variant is not present in population databases (gnomAD no frequency). This variant has not been reported in the literature in individuals affected with POLE-related conditions. ClinVar contains an entry for this variant (Variation ID: 1718713). Advanced modeling of protein sequence and biophysical properties (such as structural, functional, and spatial information, amino acid conservation, physicochemical variation, residue mobility, and thermodynamic stability) performed at Invitae indicates that this missense variant is expected to disrupt POLE protein function with a positive predictive value of 80%. In summary, the available evidence is currently insufficient to determine the role of this variant in disease. Therefore, it has been classified as a Variant of Uncertain Significance.

NM_006231.4(POLE):c.2013G>C (p.Trp671Cys)

Gene: POLE (DNA polymerase epsilon, catalytic subunit; minus strand). Cytogenetic location: 12q24.33.
Variant type: single nucleotide variant.
Coding change: c.2013G>C on transcript NM_006231.4 (MANE Select); coding-DNA position 2013, G replaced by C.
Protein change: p.Trp671Cys; replaces tryptophan 671 with cysteine.
Molecular consequence: missense variant.
Genome position (GRCh38, 1-based): chr12:132,668,648, C>G on the plus strand (G>C on the coding strand, the complement: POLE is on the minus strand). VCF-style: chr12-132668648-C-G. GRCh37 (hg19) VCF-style: chr12-133245234-C-G.
Other names: short protein forms W671C.
Identifiers: ClinVar variation 1718713 (VCV001718713.5), dbSNP rs1174604722, ClinGen allele CA387354699.